The following is an entry in ClinVar:

NM_002972.4(SBF1):c.3592C>T (p.Arg1198Cys)

Gene: SBF1 (SET binding factor 1; minus strand). Cytogenetic location: 22q13.33.
Variant type: single nucleotide variant.
Coding change: c.3592C>T on transcript NM_002972.4 (MANE Select); coding-DNA position 3592, C replaced by T.
Protein change: p.Arg1198Cys; replaces arginine 1198 with cysteine.
Molecular consequence: missense variant.
Genome position (GRCh38, 1-based): chr22:50,459,566, G>A on the plus strand (C>T on the coding strand, the complement: SBF1 is on the minus strand). VCF-style: chr22-50459566-G-A. GRCh37 (hg19) VCF-style: chr22-50897995-G-A.
Other names: c.3592C>T (NM_002972.2, NM_002972.3); c.3595C>T, p.Arg1199Cys (NM_001365819.1); short protein forms R1198C, R1199C.
Identifiers: ClinVar variation 1442715 (VCV001442715.8), dbSNP rs371049751, ClinGen allele CA10316648.
Genomic context (GRCh38, chr22:50,459,566, plus strand): 5'-CGACACCTTTGCCATGCAGGCCTCCAGAGCGCAGCAGCACCGCCTTGGACCGCCCGCTGC[G>A]CCAGCAGACCACGGGGAAGCGGTTCTGGCGGTAGCAGCGGGACACGCGCTGCAGGGCGTT-3'
Protein context (NP_002963.2, residues 1188-1208): RQNRFPVVCW[Arg1198Cys]SGRSKAVLLR

ClinVar aggregate classification (germline): Conflicting classifications of pathogenicity. Review status: criteria provided, conflicting classifications (1 of 4 stars). 3 submissions from 3 submitters: Uncertain significance (2); Benign (1). Last evaluated 2025-09-26.

Conditions:
Tip-toe gait. Also called: Toe walking. Identifiers: MedGen C0427144, HP:0030051.

Allele frequency attached by ClinVar (database versions not stated): ExAC 0.00004; gnomAD exomes 0.00004 and 0.00006; gnomAD 0.00005; TOPMed 0.00005; ESP Exome Variant Server 0.00008.
gnomAD v4.1: 59 of 1,609,116 alleles (0.0037%); highest among the groups gnomAD compares: Middle Eastern, 0.017%; no homozygotes.

Submissions (3):

Ambry Genetics
Classification: Uncertain significance. Last evaluated: 2025-09-26. Review status: criteria provided, single submitter. Criteria: Ambry Variant Classification Scheme 2023. Collection method: clinical testing. Allele origin: germline.

Labcorp Genetics (formerly Invitae), Labcorp
Classification: Uncertain significance. Last evaluated: 2024-06-16. Review status: criteria provided, single submitter. Criteria: Invitae Variant Classification Sherloc (09022015). Collection method: clinical testing. Allele origin: germline.
Comment: This sequence change replaces arginine, which is basic and polar, with cysteine, which is neutral and slightly polar, at codon 1198 of the SBF1 protein (p.Arg1198Cys). This variant is present in population databases (rs371049751, gnomAD 0.01%). This variant has not been reported in the literature in individuals affected with SBF1-related conditions. ClinVar contains an entry for this variant (Variation ID: 1442715). Advanced modeling of protein sequence and biophysical properties (such as structural, functional, and spatial information, amino acid conservation, physicochemical variation, residue mobility, and thermodynamic stability) performed at Invitae indicates that this missense variant is not expected to disrupt SBF1 protein function with a negative predictive value of 80%. In summary, the available evidence is currently insufficient to determine the role of this variant in disease. Therefore, it has been classified as a Variant of Uncertain Significance.

Practice for Gait Abnormalities, David Pomarino, Competency Network Toe Walking C/o Practice Pomarino
Classification: Benign for Tip-toe gait. Last evaluated: 2024-03-07. Review status: criteria provided, single submitter. Criteria: Pomarino et al. (Glob Med Genet. 2023). Collection method: clinical testing. Allele origin: germline. Affected: yes.